The following is an entry in ClinVar:

ClinVar aggregate classification (germline): Uncertain significance. Review status: criteria provided, multiple submitters, no conflicts (2 of 4 stars). 2 submissions from 2 submitters: Uncertain significance (2). Last evaluated 2026-05-06.

Conditions:
Cardiovascular phenotype. Identifiers: MedGen CN230736.

Submissions (2):

Ambry Genetics
Classification: Uncertain significance for Cardiovascular phenotype. Last evaluated: 2026-05-06. Review status: criteria provided, single submitter. Criteria: Ambry Variant Classification Scheme 2023. Collection method: clinical testing. Allele origin: germline.
Comment: The c.4304_4305delAGinsCT variant, located in coding exon 8 of the ALMS1 gene, results from an in-frame deletion of AG and insertion of CT at nucleotide positions 4304 to 4305. This results in the substitution of the lysine residue for a threonine residue at codon 1435, an amino acid with similar properties. This amino acid position is not well conserved in available vertebrate species. In addition, this variant is predicted to be neutral by in silico analysis (Choi Y et al. PLoS ONE. 2012; 7(10):e46688). Based on the available evidence, the clinical significance of this variant remains unclear.

GeneDx
Classification: Uncertain significance. Last evaluated: 2024-05-03. Review status: criteria provided, single submitter. Criteria: GeneDx Variant Classification Process June 2021. Collection method: clinical testing. Allele origin: germline. Affected: yes.
Comment: Not observed at significant frequency in large population cohorts (gnomAD); In silico analysis indicates that this variant does not alter protein structure/function; Has not been previously published as pathogenic or benign to our knowledge

NM_001378454.1(ALMS1):c.4301_4302inv (p.Lys1434Thr)

Gene: ALMS1 (ALMS1 centrosome and basal body associated protein; plus strand). Cytogenetic location: 2p13.1.
Variant type: Inversion.
Coding change: c.4301_4302inv on transcript NM_001378454.1 (MANE Select).
Protein change: p.Lys1434Thr; replaces lysine 1434 with threonine.
Molecular consequence: missense variant.
Genome position: GRCh38 VCF-style: chr2-73450828-AG-CT. GRCh37 (hg19) VCF-style: chr2-73677955-AG-CT.
Other names: c.4304_4305delAGinsCT (NM_015120.4); c.4304_4305delinsCT (NM_015120.4); c.4304_4305inv, p.Lys1435Thr (NM_015120.4); short protein forms K1434T, K1435T.
Identifiers: ClinVar variation 3375999 (VCV003375999.2).
Genomic context (GRCh38, chr2:73,450,828, plus strand): 5'-CAGGTGACCGGAAGACTGGGATACCAACTTTACCCTCTACTTTCTACTCACACACAGAGA[AG>CT]CCTGGTAGTTTCTACCAACAGGTCTTGCCACATAGTCATCTACCTGAAGAGGCTTTGGAA-3'
Protein context (NP_001365383.1, residues 1424-1444): LPSTFYSHTE[Lys1434Thr]PGSFYQQVLP